The following is an entry in ClinVar:

ClinVar aggregate classification (germline): Uncertain significance. Review status: criteria provided, multiple submitters, no conflicts (2 of 4 stars). 2 submissions from 2 submitters: Uncertain significance (2). Last evaluated 2024-10-28.

Conditions:
Creatine transporter deficiency (CCDS1). Also called: Creatine Transporter (CRTR) Deficiency; Mental retardation , X-linked with seizures, short stature and midface hypoplasia; Mental retardation , X-linked, with creatine transport deficiency; X-linked creatine transporter deficiency; X-linked creatine deficiency syndrome; SLC6A8-Related Creatine Transporter Deficiency. Identifiers: Orphanet 52503, MedGen C1845862, MONDO:0010305, OMIM 300352.

Submissions (2):

GeneDx
Classification: Uncertain significance. Last evaluated: 2024-10-28. Review status: criteria provided, single submitter. Criteria: GeneDx Variant Classification Process June 2021. Collection method: clinical testing. Allele origin: germline. Affected: yes.
Comment: Not observed at significant frequency in large population cohorts (gnomAD); In silico analysis supports that this missense variant has a deleterious effect on protein structure/function; Has not been previously published as pathogenic or benign to our knowledge

Labcorp Genetics (formerly Invitae), Labcorp
Classification: Uncertain significance for Creatine transporter deficiency. Last evaluated: 2024-01-28. Review status: criteria provided, single submitter. Criteria: Invitae Variant Classification Sherloc (09022015). Collection method: clinical testing. Allele origin: germline.
Comment: This sequence change replaces glutamic acid, which is acidic and polar, with glycine, which is neutral and non-polar, at codon 183 of the SLC6A8 protein (p.Glu183Gly). This variant is not present in population databases (gnomAD no frequency). This variant has not been reported in the literature in individuals affected with SLC6A8-related conditions. ClinVar contains an entry for this variant (Variation ID: 1704171). Advanced modeling of protein sequence and biophysical properties (such as structural, functional, and spatial information, amino acid conservation, physicochemical variation, residue mobility, and thermodynamic stability) performed at Invitae indicates that this missense variant is not expected to disrupt SLC6A8 protein function with a negative predictive value of 95%. In summary, the available evidence is currently insufficient to determine the role of this variant in disease. Therefore, it has been classified as a Variant of Uncertain Significance.

NM_005629.4(SLC6A8):c.548A>G (p.Glu183Gly)

Gene: SLC6A8 (solute carrier family 6 member 8; plus strand). Cytogenetic location: Xq28.
Variant type: single nucleotide variant.
Coding change: c.548A>G on transcript NM_005629.4 (MANE Select); coding-DNA position 548, A replaced by G.
Protein change: p.Glu183Gly; replaces glutamic acid 183 with glycine.
Molecular consequence: missense variant.
Genome position (GRCh38, 1-based): chrX:153,691,457, A>G. VCF-style: chrX-153691457-A-G. GRCh37 (hg19) VCF-style: chrX-152956912-A-G.
Other names: c.548A>G, p.Glu183Gly (NM_001142805.2); c.203A>G, p.Glu68Gly (NM_001142806.1); short protein forms E183G, E68G.
Identifiers: ClinVar variation 1704171 (VCV001704171.7), dbSNP rs2522156215, ClinGen allele CA415079076.